The following is an entry in ClinVar:

NM_030912.3(TRIM8):c.947C>G (p.Thr316Arg)

Gene: TRIM8 (tripartite motif containing 8; plus strand). Cytogenetic location: 10q24.32.
Variant type: single nucleotide variant.
Coding change: c.947C>G on transcript NM_030912.3 (MANE Select); coding-DNA position 947, C replaced by G.
Protein change: p.Thr316Arg; replaces threonine 316 with arginine.
Molecular consequence: missense variant. On other transcripts: non-coding transcript variant (1).
Genome position (GRCh38, 1-based): chr10:102,656,284, C>G. VCF-style: chr10-102656284-C-G. GRCh37 (hg19) VCF-style: chr10-104416041-C-G.
Other names: c.851C>G, p.Thr284Arg (NM_001345950.1); short protein forms T284R, T316R.
Identifiers: ClinVar variation 3620816 (VCV003620816.2).

ClinVar aggregate classification (germline): Uncertain significance (1 of 4 stars; one submission).

Submission:

Labcorp Genetics (formerly Invitae), Labcorp
Classification: Uncertain significance. Last evaluated: 2024-11-14. Review status: criteria provided, single submitter. Criteria: Invitae Variant Classification Sherloc (09022015). Collection method: clinical testing. Allele origin: germline.
Comment: This sequence change replaces threonine, which is neutral and polar, with arginine, which is basic and polar, at codon 316 of the TRIM8 protein (p.Thr316Arg). This variant is not present in population databases (gnomAD no frequency). This variant has not been reported in the literature in individuals affected with TRIM8-related conditions. An algorithm developed to predict the effect of missense changes on protein structure and function (PolyPhen-2) suggests that this variant is likely to be disruptive. In summary, the available evidence is currently insufficient to determine the role of this variant in disease. Therefore, it has been classified as a Variant of Uncertain Significance.